The following is an entry in ClinVar:

NM_002485.5(NBN):c.10C>G (p.Leu4Val)

Gene: NBN (nibrin; minus strand). Cytogenetic location: 8q21.3.
Variant type: single nucleotide variant.
Coding change: c.10C>G on transcript NM_002485.5 (MANE Select); coding-DNA position 10, C replaced by G.
Protein change: p.Leu4Val; replaces leucine 4 with valine.
Molecular consequence: missense variant. On other transcripts: 5 prime UTR variant (1).
Genome position (GRCh38, 1-based): chr8:89,984,552, G>C on the plus strand (C>G on the coding strand, the complement: NBN is on the minus strand). VCF-style: chr8-89984552-G-C. GRCh37 (hg19) VCF-style: chr8-90996780-G-C.
Other names: c.-287C>G (NM_001024688.3); short protein forms L4V.
Identifiers: ClinVar variation 943887 (VCV000943887.14), dbSNP rs1426394881, ClinGen allele CA371664198.

ClinVar aggregate classification (germline): Uncertain significance. Review status: criteria provided, multiple submitters, no conflicts (2 of 4 stars). 3 submissions from 3 submitters: Uncertain significance (2). 1 of the submissions does not count toward it. Last evaluated 2025-11-17.

Conditions:
Hereditary cancer-predisposing syndrome. Also called: Neoplastic Syndromes, Hereditary; Hereditary neoplastic syndrome; Hereditary Cancer Syndrome; Tumor predisposition. Identifiers: Orphanet 140162, MedGen C0027672, MeSH D009386, MONDO:0015356.
Microcephaly, normal intelligence and immunodeficiency (NBS). Also called: Nijmegen breakage syndrome; IMMUNODEFICIENCY, MICROCEPHALY, AND CHROMOSOMAL INSTABILITY; Immunodeficiency, microcephaly with normal intelligence; Microcephaly with normal intelligence immunodeficiency and lymphoreticular malignancies; Nonsyndromal microcephaly autosomal recessive with normal intelligence; Seemanova syndrome 2. Identifiers: Orphanet 647, MedGen C0398791, MONDO:0009623, OMIM 251260.

gnomAD v4.1: 1 of 1,613,256 alleles (0.000062%); highest among the groups gnomAD compares: Non-Finnish European, 0.000085%; no homozygotes.

Submissions (3):

Ambry Genetics
Classification: Uncertain significance for Hereditary cancer-predisposing syndrome. Last evaluated: 2025-11-17. Review status: criteria provided, single submitter. Criteria: Ambry Variant Classification Scheme 2023. Collection method: clinical testing. Allele origin: germline.
Comment: The p.L4V variant (also known as c.10C>G), located in coding exon 1 of the NBN gene, results from a C to G substitution at nucleotide position 10. The leucine at codon 4 is replaced by valine, an amino acid with highly similar properties. This amino acid position is conserved. In addition, this alteration is predicted to be tolerated by in silico analysis. Since supporting evidence is limited at this time, the clinical significance of this alteration remains unclear.

Labcorp Genetics (formerly Invitae), Labcorp
Classification: Uncertain significance for Microcephaly, normal intelligence and immunodeficiency. Last evaluated: 2025-02-17. Review status: criteria provided, single submitter. Criteria: Invitae Variant Classification Sherloc (09022015). Collection method: clinical testing. Allele origin: germline.
Comment: This sequence change replaces leucine, which is neutral and non-polar, with valine, which is neutral and non-polar, at codon 4 of the NBN protein (p.Leu4Val). This variant is not present in population databases (gnomAD no frequency). This variant has not been reported in the literature in individuals affected with NBN-related conditions. ClinVar contains an entry for this variant (Variation ID: 943887). An algorithm developed to predict the effect of missense changes on protein structure and function (PolyPhen-2) suggests that this variant is likely to be disruptive. In summary, the available evidence is currently insufficient to determine the role of this variant in disease. Therefore, it has been classified as a Variant of Uncertain Significance.

Natera, Inc.
Classification: Uncertain significance for Nijmegen breakage syndrome. Last evaluated: 2021-06-03. Review status: no assertion criteria provided. Collection method: clinical testing. Allele origin: germline. Not counted in ClinVar's aggregate classification.